The following is an entry in ClinVar:

ClinVar aggregate classification (germline): Uncertain significance. Review status: criteria provided, multiple submitters, no conflicts (2 of 4 stars). 2 submissions from 2 submitters: Uncertain significance (2). Last evaluated 2024-03-05.

Conditions:
Renal tubular acidosis, distal, 3, with or without sensorineural hearing loss (DRTA3). Identifiers: MedGen C5399980, MONDO:0011268, OMIM 602722.

Allele frequency attached by ClinVar (database versions not stated): gnomAD 0.00001; gnomAD exomes 0.00001; TOPMed 0.00002.
gnomAD v4.1: 8 of 1,614,086 alleles (0.0005%); highest among the groups gnomAD compares: Non-Finnish European, 0.00068%; no homozygotes.

Submissions (2):

Fulgent Genetics
Classification: Uncertain significance for Renal tubular acidosis, distal, 3, with or without sensorineural hearing loss. Last evaluated: 2024-03-05. Review status: criteria provided, single submitter. Criteria: ACMG Guidelines, 2015. Collection method: clinical testing. Allele origin: germline.

Labcorp Genetics (formerly Invitae), Labcorp
Classification: Uncertain significance. Last evaluated: 2021-08-31. Review status: criteria provided, single submitter. Criteria: Invitae Variant Classification Sherloc (09022015). Collection method: clinical testing. Allele origin: germline.
Comment: This sequence change replaces valine with alanine at codon 26 of the ATP6V0A4 protein (p.Val26Ala). The valine residue is moderately conserved and there is a small physicochemical difference between valine and alanine. This variant is not present in population databases (ExAC no frequency). This variant has not been reported in the literature in individuals affected with ATP6V0A4-related conditions. Algorithms developed to predict the effect of missense changes on protein structure and function are either unavailable or do not agree on the potential impact of this missense change (SIFT: "Deleterious"; PolyPhen-2: "Possibly Damaging"; Align-GVGD: "Class C0"). In summary, the available evidence is currently insufficient to determine the role of this variant in disease. Therefore, it has been classified as a Variant of Uncertain Significance.

NM_020632.3(ATP6V0A4):c.77T>C (p.Val26Ala)

Genes: ATP6V0A4 (ATPase H+ transporting V0 subunit a4; minus strand), LOC129389889 (MPRA-validated peak6777 silencer; plus strand). Cytogenetic location: 7q34.
Variant type: single nucleotide variant.
Coding change: c.77T>C on transcript NM_020632.3 (MANE Select); coding-DNA position 77, T replaced by C.
Protein change: p.Val26Ala; replaces valine 26 with alanine.
Molecular consequence: missense variant.
Genome position (GRCh38, 1-based): chr7:138,771,171, A>G on the plus strand (T>C on the coding strand, the complement: ATP6V0A4 is on the minus strand). VCF-style: chr7-138771171-A-G. GRCh37 (hg19) VCF-style: chr7-138455916-A-G.
Other names: c.77T>C, p.Val26Ala (NM_130840.3, NM_130841.3); short protein forms V26A.
Identifiers: ClinVar variation 1412251 (VCV001412251.6), dbSNP rs1444710096, ClinGen allele CA369379655.